The following is an entry in ClinVar:

ClinVar aggregate classification (germline): Pathogenic (1 of 4 stars; one submission).

Submission:

Quest Diagnostics Nichols Institute San Juan Capistrano
Classification: Pathogenic. Last evaluated: 2024-03-01. Review status: criteria provided, single submitter. Criteria: ACMG/ClinGen CNV Guidelines, 2019. Collection method: clinical testing. Allele origin: unknown.
Comment: This copy number loss involves 51 protein coding genes and is contained within the 9p deletion syndromic region (OMIM 158170; ISCA-46741; Barbaro 2009, Hauge 2008, Onesimo 2012, Sahoo 2011, Schanze 2018, Shimojima 2009, Veitia 1998). There are no similar copy number losses of this region in the general populations of the Database of Genomic Variants. Thus, based on gene content and current medical literature, this deletion is classified as pathogenic. References: Barbaro et al., Eur J Hum Genet. 2009 Nov;17(11):1439-47. PMID: 19417767; Hauge et al., Genet Med. 2008 Aug;10(8):599-611. PMID: 18641517; Onesimo et al., Am J Med Genet A. 2012 Sep;158A(9):2266-71. PMID: 22821627; Sahoo et al., Genet Med. 2011 Oct;13(10):868-80. PMID: 21792059; Schanze et al., Am J Hum Genet. 2018 Nov 1;103(5):752-768. PMID: 30388402; Shimojima et al., Am J Med Genet A. 2009 May;149A(5):1076-80. PMID: 19396833; Veitia et al., Am J Hum Genet. 1998 Sep;63(3):901-5. PMID: 9718353

GRCh37/hg19 9p24.3-22.2(chr9:203861-17789410)x1

Genes: PDCD1LG2 (programmed cell death 1 ligand 2; plus strand), PLGRKT (plasminogen receptor with a C-terminal lysine; minus strand), PLPP6 (phospholipid phosphatase 6; plus strand), PSIP1 (PC4 and SRSF1 interacting protein 1; minus strand), RCL1 (RNA terminal phosphate cyclase like 1; plus strand) and 48 more. Cytogenetic location: 9p24.3-22.2.
Variant type: copy number loss.
Change: copy number 1 (one copy instead of two) of chr9:203,861-17,789,410 (17.59 Mb, GRCh37 coordinates, 1-based), cytogenetic band 9p24.3-22.2.
Identifiers: ClinVar variation 815186 (VCV000815186.1).